The following is an entry in ClinVar:

ClinVar aggregate classification (germline): Uncertain significance (1 of 4 stars; one submission).

Conditions:
Anauxetic dysplasia. Identifiers: Orphanet 93347, MedGen C1846796, MONDO:0011773.

Allele frequency attached by ClinVar (database versions not stated): gnomAD 0.00001; TOPMed 0.00001.

Submission:

Labcorp Genetics (formerly Invitae), Labcorp
Classification: Uncertain significance for Anauxetic dysplasia. Last evaluated: 2024-09-27. Review status: criteria provided, single submitter. Criteria: Invitae Variant Classification Sherloc (09022015). Collection method: clinical testing. Allele origin: germline.
Comment: This variant occurs in the RMRP gene, which encodes an RNA molecule that does not result in a protein product. This variant is present in population databases (no rsID available, gnomAD 0.006%). This variant has not been reported in the literature in individuals affected with RMRP-related conditions. In summary, the available evidence is currently insufficient to determine the role of this variant in disease. Therefore, it has been classified as a Variant of Uncertain Significance.

NC_000009.12:g.35658058A>G

Gene: RMRP (RNA component of mitochondrial RNA processing endoribonuclease; minus strand). Cytogenetic location: 9p13.3.
Variant type: single nucleotide variant.
Genome position: GRCh38 VCF-style: chr9-35658058-A-G. GRCh37 (hg19) VCF-style: chr9-35658055-A-G.
Identifiers: ClinVar variation 2918424 (VCV002918424.3), dbSNP rs1030974270, ClinGen allele CA192745787.
Genomic context (GRCh38, chr9:35,658,058, plus strand): 5'-TACAGGCCTTCAGCACGAACCACGTCCTCAGCTTCACAGAGTAGTATTTTATAGCCCTAA[A>G]GAAATTGTGTTTTATGATTAGGGTGAGAAAGTTGGTGGCGTGAGATTAAAAAAACCGTTT-3'